The following is an entry in ClinVar:

NM_001349206.2(LPIN1):c.2358G>C (p.Gly786=)

Gene: LPIN1 (lipin 1; plus strand). Cytogenetic location: 2p25.1.
Variant type: single nucleotide variant.
Coding change: c.2358G>C on transcript NM_001349206.2 (MANE Select); coding-DNA position 2358, G replaced by C.
Protein change: p.Gly786=; no amino-acid change (glycine 786 retained).
Molecular consequence: synonymous variant. On other transcripts: non-coding transcript variant (1).
Genome position (GRCh38, 1-based): chr2:11,815,196, G>C. VCF-style: chr2-11815196-G-C. GRCh37 (hg19) VCF-style: chr2-11955322-G-C.
Other names: p.Gly750=; c.2268G>C, p.Gly756= (NM_001261427.3); c.2505G>C, p.Gly835= (NM_001261428.3); c.2250G>C, p.Gly750= (NM_001349199.2, NM_145693.4); c.2328G>C, p.Gly776= (NM_001349200.2, NM_001349201.2); c.2355G>C, p.Gly785= (NM_001349202.2, NM_001349203.2); c.2358G>C, p.Gly786= (NM_001349204.2, NM_001349205.2); c.2448G>C, p.Gly816= (NM_001349207.2); and 1 more.
Identifiers: ClinVar variation 262591 (VCV000262591.18), dbSNP rs61732581, ClinGen allele CA1534074.
Genomic context (GRCh38, chr2:11,815,196, plus strand): 5'-GGACATGACGCGGGGCTACCTGCACTGGGTCAACGAGAGGGGCACGGTGCTGCCCCAGGG[G>C]CCCCTGCTGCTGAGTCCCAGCAGCCTCTTCTCTGCCCTGCACAGGTACCAGGCCTGCTCC-3'
Protein context (NP_001336135.1, residues 776-796): VNERGTVLPQ[Gly786=]PLLLSPSSLF

ClinVar aggregate classification (germline): Benign. Review status: criteria provided, multiple submitters, no conflicts (2 of 4 stars). 7 submissions from 7 submitters: Benign (7). Last evaluated 2026-02-01.

Conditions:
Myoglobinuria, acute recurrent, autosomal recessive. Also called: MYOGLOBINURIA, FAMILIAL PAROXYSMAL PARALYTIC; RHABDOMYOLYSIS, ACUTE RECURRENT; Myoglobinuria, recurrent, autosomal recessive. Identifiers: Orphanet 99845, MedGen C1849386, MONDO:0009992, OMIM 268200.

Allele frequency attached by ClinVar (database versions not stated): TOPMed 0.04963; 1000 Genomes Project 0.04473; 1000 Genomes Project 30x 0.04575; gnomAD 0.04121; ESP Exome Variant Server 0.04536.
gnomAD v4.1: 14,826 of 1,614,106 alleles (0.92%); highest among the groups gnomAD compares: African/African-American, 15%; 903 homozygotes.

Submissions (7):

Labcorp Genetics (formerly Invitae), Labcorp
Classification: Benign. Last evaluated: 2026-02-01. Review status: criteria provided, single submitter. Criteria: Invitae Variant Classification Sherloc (09022015). Collection method: clinical testing. Allele origin: germline.

Illumina Laboratory Services, Illumina
Classification: Benign for Myoglobinuria, acute recurrent, autosomal recessive. Last evaluated: 2018-01-13. Review status: criteria provided, single submitter. Criteria: ICSL Variant Classification Criteria 13 December 2019. Collection method: clinical testing. Allele origin: germline.
Comment: This variant was observed in the ICSL laboratory as part of a predisposition screen in an ostensibly healthy population. It had not been previously curated by ICSL or reported in the Human Gene Mutation Database (HGMD: prior to June 1st, 2018), and was therefore a candidate for classification through an automated scoring system. Utilizing variant allele frequency, disease prevalence and penetrance estimates, and inheritance mode, an automated score was calculated to assess if this variant is too frequent to cause the disease. Based on the score and internal cut-off values, a variant classified as benign is not then subjected to further curation. The score for this variant resulted in a classification of benign for this disease.

Mayo Clinic Laboratories, Mayo Clinic
Classification: Benign. Last evaluated: 2017-11-22. Review status: criteria provided, single submitter. Criteria: ACMG Guidelines, 2015. Collection method: clinical testing. Allele origin: germline. Observed: 42 variant alleles.

GeneDx
Classification: Benign. Last evaluated: 2017-05-18. Review status: criteria provided, single submitter. Criteria: GeneDx Variant Classification (06012015). Collection method: clinical testing. Allele origin: germline. Affected: yes.
Comment: This variant is considered likely benign or benign based on one or more of the following criteria: it is a conservative change, it occurs at a poorly conserved position in the protein, it is predicted to be benign by multiple in silico algorithms, and/or has population frequency not consistent with disease.

Laboratory for Molecular Medicine, Mass General Brigham Personalized Medicine
Classification: Benign. Last evaluated: 2016-03-28. Review status: criteria provided, single submitter. Criteria: LMM Criteria. Collection method: clinical testing. Allele origin: germline.
Comment: Variant identified in a genome or exome case(s) and assessed due to predicted null impact of the variant or pathogenic assertions in the literature or databases. Disclaimer: This variant has not undergone full assessment. The following are preliminary notes: MAF

Breakthrough Genomics
Classification: Benign. Review status: criteria provided, single submitter. Criteria: ACMG Guidelines, 2015. Collection method: not provided. Allele origin: germline. Inheritance: Autosomal recessive inheritance. Affected: yes.

PreventionGenetics, part of Exact Sciences
Classification: Benign. Review status: criteria provided, single submitter. Criteria: ACMG Guidelines, 2015. Collection method: clinical testing. Allele origin: germline.